The following is an entry in ClinVar:

ClinVar aggregate classification (germline): Pathogenic (1 of 4 stars; one submission).

Submission:

GeneDx
Classification: Pathogenic. Last evaluated: 2018-12-05. Review status: criteria provided, single submitter. Criteria: GeneDx Variant Classification (06012015). Collection method: clinical testing. Allele origin: germline. Affected: yes.
Comment: The G474X variant in the EHMT1 gene has not been reported previously as a pathogenic variant nor as a benign variant, to our knowledge. This variant is predicted to cause loss of normal protein function either through protein truncation or nonsense-mediated mRNA decay. The G474X variant is not observed in large population cohorts (Lek et al., 2016). We interpret G474X as a pathogenic variant.

NM_024757.5(EHMT1):c.1420G>T (p.Gly474Ter)

Gene: EHMT1 (euchromatic histone lysine methyltransferase 1; plus strand). Cytogenetic location: 9q34.3.
Variant type: single nucleotide variant.
Coding change: c.1420G>T on transcript NM_024757.5 (MANE Select); coding-DNA position 1420, G replaced by T.
Protein change: p.Gly474Ter; replaces glycine 474 with a stop codon.
Molecular consequence: nonsense.
Genome position (GRCh38, 1-based): chr9:137,757,930, G>T. VCF-style: chr9-137757930-G-T. GRCh37 (hg19) VCF-style: chr9-140652382-G-T.
Other names: c.1327G>T, p.Gly443Ter (NM_001354259.2, NM_001354612.2); c.1399G>T, p.Gly467Ter (NM_001354263.2); c.1420G>T, p.Gly474Ter (NM_001354611.2, NM_001145527.2); short protein forms G474*, G443*, G467*.
Identifiers: ClinVar variation 620482 (VCV000620482.1), dbSNP rs1564704133, ClinGen allele CA375765972.
Genomic context (GRCh38, chr9:137,757,930, plus strand): 5'-TCATACCTAGGTTCTGAGTCGTATAAGTCATCTGCAGGAAGCGCTGAGCAGACGGCACCA[G>T]GAGACAGCACAGGGTACATGGAAGTTTCTCTGGACTCCCTGGATCTCCGAGTCAAAGGAA-3'